The following is an entry in ClinVar:

ClinVar aggregate classification (germline): Likely pathogenic (1 of 4 stars; one submission).

Submission:

CeGaT Center for Human Genetics Tuebingen
Classification: Likely pathogenic. Last evaluated: 2024-11-01. Review status: criteria provided, single submitter. Criteria: CeGaT Center For Human Genetics Tuebingen Variant Classification Criteria Version 2. Collection method: clinical testing. Allele origin: germline. Affected: yes. Observed: 2 variant alleles.
Comment: VPS50: PVS1:Strong, PM2, PM3

NM_017667.4(VPS50):c.2464-1G>C

Gene: VPS50 (VPS50 subunit of EARP/GARPII complex; plus strand). Cytogenetic location: 7q21.3.
Variant type: single nucleotide variant.
Coding change: c.2464-1G>C on transcript NM_017667.4 (MANE Select); the canonical splice acceptor site of the intron before coding-DNA position 2464, G replaced by C.
Molecular consequence: splice acceptor variant.
Genome position (GRCh38, 1-based): chr7:93,353,639, G>C. VCF-style: chr7-93353639-G-C. GRCh37 (hg19) VCF-style: chr7-92982951-G-C.
Other names: c.2374-1G>C (NM_001257998.2).
Identifiers: ClinVar variation 3388705 (VCV003388705.14).